The following is an entry in ClinVar:

NM_001330078.2(NRXN1):c.3943G>T (p.Asp1315Tyr)

Gene: NRXN1 (neurexin 1; minus strand). Cytogenetic location: 2p16.3.
Variant type: single nucleotide variant.
Coding change: c.3943G>T on transcript NM_001330078.2 (MANE Select); coding-DNA position 3943, G replaced by T.
Protein change: p.Asp1315Tyr; replaces aspartic acid 1315 with tyrosine.
Molecular consequence: missense variant.
Genome position (GRCh38, 1-based): chr2:50,053,456, C>A on the plus strand (G>T on the coding strand, the complement: NRXN1 is on the minus strand). VCF-style: chr2-50053456-C-A. GRCh37 (hg19) VCF-style: chr2-50280594-C-A.
Other names: c.4063G>T, p.Asp1355Tyr (NM_001135659.3); c.3919G>T, p.Asp1307Tyr (NM_001330077.2, NM_001330082.2); c.3787G>T, p.Asp1263Tyr (NM_001330083.2); c.3877G>T, p.Asp1293Tyr (NM_001330084.2); c.3916G>T, p.Asp1306Tyr (NM_001330085.2); c.3943G>T, p.Asp1315Tyr (NM_001330086.2); c.3742G>T, p.Asp1248Tyr (NM_001330087.2, NM_001330096.2); c.3772G>T, p.Asp1258Tyr (NM_001330088.2); and 6 more; short protein forms D1263Y, D1307Y, D1248Y, D1258Y, D1285Y, D1311Y, D1314Y, D1315Y.
Identifiers: ClinVar variation 4744078 (VCV004744078.1).

ClinVar aggregate classification (germline): Uncertain significance (1 of 4 stars; one submission).

Conditions:
Pitt-Hopkins-like syndrome 2 (PTHSL2). Identifiers: Orphanet 221150, Orphanet 600663, MedGen C3280479, MONDO:0013690, OMIM 614325.

Submission:

Labcorp Genetics (formerly Invitae), Labcorp
Classification: Uncertain significance for Pitt-Hopkins-like syndrome 2. Last evaluated: 2025-10-05. Review status: criteria provided, single submitter. Criteria: Invitae Variant Classification Sherloc (09022015). Collection method: clinical testing. Allele origin: germline.
Comment: This sequence change replaces aspartic acid, which is acidic and polar, with tyrosine, which is neutral and polar, at codon 1355 of the NRXN1 protein (p.Asp1355Tyr). This variant is not present in population databases (gnomAD no frequency). This variant has not been reported in the literature in individuals affected with NRXN1-related conditions. Invitae Evidence Modeling of protein sequence and biophysical properties (such as structural, functional, and spatial information, amino acid conservation, physicochemical variation, residue mobility, and thermodynamic stability) indicates that this missense variant is not expected to disrupt NRXN1 protein function with a negative predictive value of 80%. In summary, the available evidence is currently insufficient to determine the role of this variant in disease. Therefore, it has been classified as a Variant of Uncertain Significance.